The following is an entry in ClinVar:

ClinVar aggregate classification (germline): Uncertain significance (1 of 4 stars; one submission).

Conditions:
Inborn genetic diseases. Identifiers: MedGen C0950123, MeSH D030342.

Submission:

Ambry Genetics
Classification: Uncertain significance for Inborn genetic diseases. Last evaluated: 2025-07-14. Review status: criteria provided, single submitter. Criteria: Ambry Variant Classification Scheme 2023. Collection method: clinical testing. Allele origin: germline.
Comment: The p.P873R variant (also known as c.2618C>G), located in coding exon 15 of the RECQL4 gene, results from a C to G substitution at nucleotide position 2618. The proline at codon 873 is replaced by arginine, an amino acid with dissimilar properties. This amino acid position is conserved. In addition, this alteration is predicted to be tolerated by in silico analysis. Based on the available evidence, the clinical significance of this variant remains unclear.

NM_004260.4(RECQL4):c.2618C>G (p.Pro873Arg)

Gene: RECQL4 (RecQ like helicase 4; minus strand). Cytogenetic location: 8q24.3.
Variant type: single nucleotide variant.
Coding change: c.2618C>G on transcript NM_004260.4 (MANE Select); coding-DNA position 2618, C replaced by G.
Protein change: p.Pro873Arg; replaces proline 873 with arginine.
Molecular consequence: missense variant. On other transcripts: non-coding transcript variant (3).
Genome position (GRCh38, 1-based): chr8:144,512,984, G>C on the plus strand (C>G on the coding strand, the complement: RECQL4 is on the minus strand). VCF-style: chr8-144512984-G-C. GRCh37 (hg19) VCF-style: chr8-145738367-G-C.
Other names: c.2324C>G, p.Pro775Arg (NM_001413017.1); c.2420C>G, p.Pro807Arg (NM_001413018.1); c.2618C>G, p.Pro873Arg (NM_001413019.1, NM_001413036.1); c.2522C>G, p.Pro841Arg (NM_001413020.1); c.1547C>G, p.Pro516Arg (NM_001413021.1, NM_001413022.1, NM_001413023.1 and 5 more transcripts); c.2489C>G, p.Pro830Arg (NM_001413025.1); c.1481C>G, p.Pro494Arg (NM_001413027.1, NM_001413030.1, NM_001413032.1 and 1 more transcripts); c.2267C>G, p.Pro756Arg (NM_001413029.1); and 6 more; short protein forms P506R, P516R, P873R, P830R, P841R, P863R, P756R, P775R.
Identifiers: ClinVar variation 4152380 (VCV004152380.1).